The following is an entry in ClinVar:

ClinVar aggregate classification (germline): Likely pathogenic (1 of 4 stars; one submission).

Conditions:
Cohen syndrome (COH1). Also called: Cutis verticis gyrata, retinitis pigmentosa, and sensorineural deafness; PEPPER SYNDROME. Identifiers: Orphanet 193, MedGen C0265223, MONDO:0008999, OMIM 216550.

Submission:

Labcorp Genetics (formerly Invitae), Labcorp
Classification: Likely pathogenic for Cohen syndrome. Last evaluated: 2019-07-14. Review status: criteria provided, single submitter. Criteria: Invitae Variant Classification Sherloc (09022015). Collection method: clinical testing. Allele origin: unknown.
Comment: In summary, the currently available evidence indicates that the variant is pathogenic, but additional data are needed to prove that conclusively. Therefore, this variant has been classified as Likely Pathogenic. Loss-of-function variants in VPS13B are known to be pathogenic (PMID: 15141358, 16648375, 20461111). This variant has not been reported in the literature in individuals with VPS13B-related conditions. This variant is a deletion of the genomic region encompassing part of exon 15 (c.2013+2341_2166delinsG) of the VPS13B gene. It is expected to disrupt RNA splicing and likely results in an absent or disrupted protein product.

Literature cited by the submitters: PubMed 15141358; PubMed 16648375; PubMed 20461111.

NC_000008.10:g.(?_100162579)_(100168929_?)del

Gene: VPS13B (vacuolar protein sorting 13 homolog B; plus strand). Cytogenetic location: 8q22.2.
Variant type: Deletion.
Identifiers: ClinVar variation 3245477 (VCV003245477.1).